The following is an entry in ClinVar:

ClinVar aggregate classification (germline): Pathogenic. Review status: reviewed by expert panel (3 of 4 stars). 7 submissions from 7 submitters: Pathogenic (1). 6 of the submissions do not count toward it. Last evaluated 2020-10-05.

Conditions:
Glycogen storage disease, type II (IOPD). Also called: POMPE DISEASE, INFANTILE-ONSET; GLYCOGEN STORAGE DISEASE II, INFANTILE-ONSET; ACID ALPHA-GLUCOSIDASE DEFICIENCY, INFANTILE-ONSET; GAA DEFICIENCY, INFANTILE-ONSET; ACID MALTASE DEFICIENCY, INFANTILE-ONSET; CARDIOMEGALIA GLYCOGENICA DIFFUSA. Identifiers: Orphanet 365, MedGen C0017921, MONDO:0009290, OMIM 232300.

Allele frequency attached by ClinVar (database versions not stated): gnomAD exomes below 0.00001; TOPMed below 0.00001; ExAC 0.00001.
gnomAD v4.1: 1 of 1,614,120 alleles (0.000062%); highest among the groups gnomAD compares: Admixed American, 0.0017%; no homozygotes.

Submissions (7):

ClinGen Lysosomal Storage Disorder Variant Curation Expert Panel
Classification: Pathogenic for Glycogen storage disease, type II. Last evaluated: 2020-10-05. Review status: reviewed by expert panel. Criteria: ClinGen LSD ACMG Specifications v1. Collection method: curation. Allele origin: germline. Inheritance: Autosomal recessive inheritance.
Comment: This variant, c.1496G>A (p.Trp499Ter) is a nonsense variant which is predicted to cause nonsense mediated decay resulting in lack of gene product. This is supported by the absence of cross reactive immunological material in cultured skin fibroblasts from a patient with this variant (PMIDs 19775921, 22252923, and 25741864). Therefore, PVS1 can be applied. This patient, who has infantile onset Pompe disease, meets the ClinGen LSD VCEP's specifications for PP4, and is homozygous for the variant, meeting PM3_Supporting. Additional patients have been reported, including 2 homozygous Tunisian patients (PMID 32125626), but the residual GAA activity was not provided, and this data was not included. The highest population minor allele frequency in gnomAD v2.1.1 is 0.00003 in the Latino population, which meets PM2. There is a ClinVar entry for this variant (Variation ID 556959, 1 star review status), with one submitter classifying the variant as pathogenic and one as likely pathogenic. In summary, this variant meets the criteria to be classified as pathogenic for Pompe disease. ACMG/AMP criteria met, based on the specifications of the ClinGen LSD VCEP: PVS1, PM2, PM3_Supporting, PP4.

Genomenon, Inc
Classification: Pathogenic for Glycogen storage disease, type II. Last evaluated: 2026-07-01. Review status: criteria provided, single submitter. Criteria: Genomenon Sequence Variant Interpretation Standards - Updated. Collection method: curation. Allele origin: germline. Affected: yes. Not counted in ClinVar's aggregate classification.
Comment: GAA p.Trp499Ter (c.1496G>A) is a nonsense variant that introduces a premature stop codon at amino acid position 499 and is predicted to result in a truncated or absent protein product. This variant has been observed in at least one proband with a GAA-related disorder (PMID:25741864). It is absent or not present at a significant frequency in gnomAD. In conclusion, we classify GAA p.Trp499Ter (c.1496G>A) as a pathogenic variant.

Labcorp Genetics (formerly Invitae), Labcorp
Classification: Pathogenic for Glycogen storage disease, type II. Last evaluated: 2024-12-30. Review status: criteria provided, single submitter. Criteria: Invitae Variant Classification Sherloc (09022015). Collection method: clinical testing. Allele origin: germline. Not counted in ClinVar's aggregate classification.
Comment: This sequence change creates a premature translational stop signal (p.Trp499*) in the GAA gene. It is expected to result in an absent or disrupted protein product. Loss-of-function variants in GAA are known to be pathogenic (PMID: 18425781, 22252923). This variant is present in population databases (rs766680292, gnomAD 0.003%). This premature translational stop signal has been observed in individual(s) with Pompe disease (PMID: 18425781). ClinVar contains an entry for this variant (Variation ID: 556959). For these reasons, this variant has been classified as Pathogenic.

Fulgent Genetics
Classification: Pathogenic for Glycogen storage disease, type II. Last evaluated: 2024-04-18. Review status: criteria provided, single submitter. Criteria: ACMG Guidelines, 2015. Collection method: clinical testing. Allele origin: germline. Not counted in ClinVar's aggregate classification.

Baylor Genetics
Classification: Pathogenic for Glycogen storage disease, type II. Last evaluated: 2023-11-22. Review status: criteria provided, single submitter. Criteria: ACMG Guidelines, 2015. Collection method: clinical testing. Allele origin: unknown. Not counted in ClinVar's aggregate classification.

Broad Center for Mendelian Genomics, Broad Institute of MIT and Harvard
Classification: Pathogenic for Glycogen storage disease, type II. Last evaluated: 2020-01-23. Review status: criteria provided, single submitter. Criteria: ACMG Guidelines, 2015. Collection method: curation. Allele origin: germline. Inheritance: Autosomal recessive inheritance. Not counted in ClinVar's aggregate classification.
Comment: The p.Trp499Ter variant in GAA has been reported in at least 3 individuals with glycogen storage disease (PMID: 19775921, 18425781, 22252923) and has been identified in 0.003% (1/34586) Latino chromosomes by the Genome Aggregation Database (gnomAD; dbSNP rs766680292). Although this variant has been seen in the general population, its frequency is low enough to be consistent with a recessive carrier frequency. This variant has also been reported in ClinVar as likely pathogenic by Counsyl (Variation ID: 556959). This nonsense variant leads to a premature termination codon at position 499, which is predicted to lead to a truncated or absent protein. Loss of function of the GAA gene is an established disease mechanism in autosomal recessive glycogen storage disease. The phenotype of an individual homozygous for this variant is highly specific for glycogen storage disease based on GAA enzyme activity in fibroblasts being <1% of wild type, consistent with disease (PMID: 19775921). Additionally, the homozygous occurrence of this variant and in an individual with glycogen storage disease (PMID: 19775921) slightly increases the likelihood that the p.Trp499Ter variant is pathogenic. In summary, this variant meets criteria to be classified as pathogenic for GAA in an autosomal recessive manner based on the prediction that it causes loss of function of the GAA gene, its low frequency in the general population, and the homozygous occurrence of the variant in an affected individual. ACMG/AMP Criteria applied: PVS1, PM2, PP4, PM3_supporting (Richards 2015).

Counsyl
Classification: Likely pathogenic for Glycogen storage disease, type II. Last evaluated: 2018-03-01. Review status: no assertion criteria provided. Collection method: clinical testing. Allele origin: unknown. Not counted in ClinVar's aggregate classification.

Literature cited by the submitters: PubMed 25741864 (cited by Genomenon, Inc and Counsyl); PubMed 18425781 (cited by Labcorp Genetics (formerly Invitae), Labcorp); PubMed 22252923 (cited by Labcorp Genetics (formerly Invitae), Labcorp and Broad Center for Mendelian Genomics, Broad Institute of MIT and Harvard); PubMed 19775921 (cited by Broad Center for Mendelian Genomics, Broad Institute of MIT and Harvard); PubMed 11071489 (cited by Counsyl).

NM_000152.5(GAA):c.1496G>A (p.Trp499Ter)

Gene: GAA (alpha glucosidase; plus strand). Cytogenetic location: 17q25.3.
Variant type: single nucleotide variant.
Coding change: c.1496G>A on transcript NM_000152.5 (MANE Select); coding-DNA position 1496, G replaced by A.
Protein change: p.Trp499Ter; replaces tryptophan 499 with a stop codon.
Molecular consequence: nonsense.
Genome position (GRCh38, 1-based): chr17:80,110,785, G>A. VCF-style: chr17-80110785-G-A. GRCh37 (hg19) VCF-style: chr17-78084584-G-A.
Other names: c.1496G>A (LRG_673t1); c.1496G>A, p.Trp499Ter (NM_001079803.3, NM_001079804.3); short protein forms W499*.
Identifiers: ClinVar variation 556959 (VCV000556959.19), dbSNP rs766680292, ClinGen allele CA8815357.